The following is an entry in ClinVar:

NM_203447.4(DOCK8):c.5672G>A (p.Arg1891Gln)

Gene: DOCK8 (dedicator of cytokinesis 8; plus strand). Cytogenetic location: 9p24.3.
Variant type: single nucleotide variant.
Coding change: c.5672G>A on transcript NM_203447.4 (MANE Select); coding-DNA position 5672, G replaced by A.
Protein change: p.Arg1891Gln; replaces arginine 1891 with glutamine.
Molecular consequence: missense variant.
Genome position (GRCh38, 1-based): chr9:446,461, G>A. VCF-style: chr9-446461-G-A. GRCh37 (hg19) VCF-style: chr9-446461-G-A.
Other names: c.5372G>A, p.Arg1791Gln (NM_001190458.2); c.5468G>A, p.Arg1823Gln (NM_001193536.2); short protein forms R1791Q, R1891Q, R1823Q.
Identifiers: ClinVar variation 912329 (VCV000912329.8), dbSNP rs368477654, ClinGen allele CA4959507.
Genomic context (GRCh38, chr9:446,461, plus strand): 5'-ACTTTGATGAGTATGAGATGAAAGACAGGGTCACATACTTTGAGAAGAATTTCAACCTCC[G>A]GAGGTTCATGTACACCACCCCGTTCACCCTGGAGGGGCGGCCTCGGGGAGAGCTGCATGA-3'
Protein context (NP_982272.2, residues 1881-1901): VTYFEKNFNL[Arg1891Gln]RFMYTTPFTL

ClinVar aggregate classification (germline): Uncertain significance. Review status: criteria provided, multiple submitters, no conflicts (2 of 4 stars). 2 submissions from 2 submitters: Uncertain significance (2). Last evaluated 2024-10-28.

Conditions:
Combined immunodeficiency due to DOCK8 deficiency (HIES2). Also called: HIES autosomal recessive; Hyper-IgE recurrent infection syndrome, autosomal recessive; HYPER-IgE SYNDROME 2, AUTOSOMAL RECESSIVE, WITH RECURRENT INFECTIONS; DOCK8 Deficiency; HYPER-IgE RECURRENT INFECTION SYNDROME 2, AUTOSOMAL RECESSIVE. Identifiers: Orphanet 217390, MedGen C4722305, MONDO:0009478, OMIM 243700.

Allele frequency attached by ClinVar (database versions not stated): gnomAD exomes 0.00001 and 0.00003; ExAC 0.00003; TOPMed 0.00004; gnomAD 0.00005.
gnomAD v4.1: 33 of 1,614,070 alleles (0.002%); highest among the groups gnomAD compares: Middle Eastern, 0.016%; no homozygotes.

Submissions (2):

Labcorp Genetics (formerly Invitae), Labcorp
Classification: Uncertain significance for Combined immunodeficiency due to DOCK8 deficiency. Last evaluated: 2024-10-28. Review status: criteria provided, single submitter. Criteria: Invitae Variant Classification Sherloc (09022015). Collection method: clinical testing. Allele origin: germline.
Comment: This sequence change replaces arginine, which is basic and polar, with glutamine, which is neutral and polar, at codon 1891 of the DOCK8 protein (p.Arg1891Gln). This variant is present in population databases (rs368477654, gnomAD 0.02%). This variant has not been reported in the literature in individuals affected with DOCK8-related conditions. ClinVar contains an entry for this variant (Variation ID: 912329). Invitae Evidence Modeling of protein sequence and biophysical properties (such as structural, functional, and spatial information, amino acid conservation, physicochemical variation, residue mobility, and thermodynamic stability) has been performed for this missense variant. However, the output from this modeling did not meet the statistical confidence thresholds required to predict the impact of this variant on DOCK8 protein function. In summary, the available evidence is currently insufficient to determine the role of this variant in disease. Therefore, it has been classified as a Variant of Uncertain Significance.

Illumina Laboratory Services, Illumina
Classification: Uncertain significance for Combined immunodeficiency due to DOCK8 deficiency. Last evaluated: 2017-04-27. Review status: criteria provided, single submitter. Criteria: ICSL Variant Classification Criteria 13 December 2019. Collection method: clinical testing. Allele origin: germline.